The following is an entry in ClinVar:

NM_000264.5(PTCH1):c.1661G>C (p.Ser554Thr)

Gene: PTCH1 (patched 1; minus strand). Cytogenetic location: 9q22.32.
Variant type: single nucleotide variant.
Coding change: c.1661G>C on transcript NM_000264.5 (MANE Select); coding-DNA position 1661, G replaced by C.
Protein change: p.Ser554Thr; replaces serine 554 with threonine.
Molecular consequence: missense variant. On other transcripts: non-coding transcript variant (1).
Genome position (GRCh38, 1-based): chr9:95,476,101, C>G on the plus strand (G>C on the coding strand, the complement: PTCH1 is on the minus strand). VCF-style: chr9-95476101-C-G. GRCh37 (hg19) VCF-style: chr9-98238383-C-G.
Other names: c.1208G>C, p.Ser403Thr (NM_001083605.3, NM_001083606.3, NM_001083607.3 and 1 more transcripts); c.1505G>C, p.Ser502Thr (NM_001354918.2); c.1463G>C, p.Ser488Thr (NM_001083602.3); c.1658G>C, p.Ser553Thr (NM_001083603.3); short protein forms S403T, S554T, S488T, S502T, S553T.
Identifiers: ClinVar variation 851838 (VCV000851838.10), dbSNP rs148367880, ClinGen allele CA374118012.

ClinVar aggregate classification (germline): Uncertain significance (1 of 4 stars; one submission).

Conditions:
Gorlin syndrome. Also called: Nevoid Basal Cell Carcinoma Syndrome; Basal cell nevus syndrome. Identifiers: Orphanet 377, MedGen C0004779, MONDO:0007187.

Submission:

Labcorp Genetics (formerly Invitae), Labcorp
Classification: Uncertain significance for Gorlin syndrome. Last evaluated: 2019-04-15. Review status: criteria provided, single submitter. Criteria: Invitae Variant Classification Sherloc (09022015). Collection method: clinical testing. Allele origin: germline.
Comment: This variant has not been reported in the literature in individuals with PTCH1-related conditions. Algorithms developed to predict the effect of missense changes on protein structure and function are either unavailable or do not agree on the potential impact of this missense change (SIFT: "Tolerated"; PolyPhen-2: "Possibly Damaging"; Align-GVGD: "Class C0"). In summary, the available evidence is currently insufficient to determine the role of this variant in disease. Therefore, it has been classified as a Variant of Uncertain Significance. This variant is not present in population databases (ExAC no frequency). This sequence change replaces serine with threonine at codon 554 of the PTCH1 protein (p.Ser554Thr). The serine residue is moderately conserved and there is a small physicochemical difference between serine and threonine.